The following is an entry in ClinVar:

NM_004385.5(VCAN):c.9497C>T (p.Thr3166Ile)

Genes: VCAN (versican; plus strand), VCAN-AS1 (VCAN antisense RNA 1; minus strand). Cytogenetic location: 5q14.3.
Variant type: single nucleotide variant.
Coding change: c.9497C>T on transcript NM_004385.5 (MANE Select); coding-DNA position 9497, C replaced by T.
Protein change: p.Thr3166Ile; replaces threonine 3166 with isoleucine.
Molecular consequence: missense variant.
Genome position (GRCh38, 1-based): chr5:83,553,367, C>T. VCF-style: chr5-83553367-C-T. GRCh37 (hg19) VCF-style: chr5-82849186-C-T.
Other names: c.1274C>T, p.Thr425Ile (NM_001126336.3); c.6536C>T, p.Thr2179Ile (NM_001164097.2); c.4235C>T, p.Thr1412Ile (NM_001164098.2); short protein forms T3166I, T425I, T2179I, T1412I.
Identifiers: ClinVar variation 2113295 (VCV002113295.4), dbSNP rs1747544703, ClinGen allele CA360297244.

ClinVar aggregate classification (germline): Uncertain significance (1 of 4 stars; one submission).

Allele frequency attached by ClinVar (database versions not stated): gnomAD exomes below 0.00001; TOPMed below 0.00001.
gnomAD v4.1: 1 of 1,614,010 alleles (0.000062%); highest among the groups gnomAD compares: African/African-American, 0.0013%; no homozygotes.

Submission:

Labcorp Genetics (formerly Invitae), Labcorp
Classification: Uncertain significance. Last evaluated: 2022-08-22. Review status: criteria provided, single submitter. Criteria: Invitae Variant Classification Sherloc (09022015). Collection method: clinical testing. Allele origin: germline.
Comment: This sequence change replaces threonine, which is neutral and polar, with isoleucine, which is neutral and non-polar, at codon 3166 of the VCAN protein (p.Thr3166Ile). In summary, the available evidence is currently insufficient to determine the role of this variant in disease. Therefore, it has been classified as a Variant of Uncertain Significance. Algorithms developed to predict the effect of missense changes on protein structure and function (SIFT, PolyPhen-2, Align-GVGD) all suggest that this variant is likely to be disruptive. This variant has not been reported in the literature in individuals affected with VCAN-related conditions. This variant is not present in population databases (gnomAD no frequency).